The following is an entry in ClinVar:

ClinVar aggregate classification (germline): Uncertain significance. Review status: criteria provided, multiple submitters, no conflicts (2 of 4 stars). 2 submissions from 2 submitters: Uncertain significance (2). Last evaluated 2024-12-24.

Conditions:
HNSHA due to aldolase A deficiency (GSD12). Also called: GLYCOGEN STORAGE DISEASE XII; GSD XII; RED CELL ALDOLASE DEFICIENCY; Glycogen storage disease due to aldolase A deficiency. Identifiers: Orphanet 57, MedGen C0272066, MONDO:0012747, OMIM 611881.

Allele frequency attached by ClinVar (database versions not stated): ExAC 0.00007; ESP Exome Variant Server 0.00015; gnomAD 0.00017; TOPMed 0.00021; 1000 Genomes Project 0.00040; 1000 Genomes Project 30x 0.00047.
gnomAD v4.1: 56 of 1,614,130 alleles (0.0035%); highest among the groups gnomAD compares: African/African-American, 0.072%; no homozygotes.

Submissions (2):

Revvity Omics, Revvity
Classification: Uncertain significance for HNSHA due to aldolase A deficiency. Last evaluated: 2024-12-24. Review status: criteria provided, single submitter. Criteria: ACMG Guidelines, 2015. Collection method: clinical testing. Allele origin: germline.

Labcorp Genetics (formerly Invitae), Labcorp
Classification: Uncertain significance for HNSHA due to aldolase A deficiency. Last evaluated: 2022-08-09. Review status: criteria provided, single submitter. Criteria: Invitae Variant Classification Sherloc (09022015). Collection method: clinical testing. Allele origin: germline.
Comment: This sequence change replaces valine, which is neutral and non-polar, with leucine, which is neutral and non-polar, at codon 213 of the ALDOA protein (p.Val213Leu). This variant is present in population databases (rs140201659, gnomAD 0.07%). This variant has not been reported in the literature in individuals affected with ALDOA-related conditions. Algorithms developed to predict the effect of missense changes on protein structure and function are either unavailable or do not agree on the potential impact of this missense change (SIFT: "Deleterious"; PolyPhen-2: "Benign"; Align-GVGD: "Class C25"). In summary, the available evidence is currently insufficient to determine the role of this variant in disease. Therefore, it has been classified as a Variant of Uncertain Significance.

NM_001243177.4(ALDOA):c.799G>C (p.Val267Leu)

Genes: ALDOA (aldolase, fructose-bisphosphate A; plus strand), LOC112694756 (uncharaterized LOC112694756; plus strand). Cytogenetic location: 16p11.2.
Variant type: single nucleotide variant.
Coding change: c.799G>C on transcript NM_001243177.4 (MANE Select); coding-DNA position 799, G replaced by C.
Protein change: p.Val267Leu; replaces valine 267 with leucine.
Molecular consequence: missense variant. On other transcripts: 3 prime UTR variant (3).
Genome position (GRCh38, 1-based): chr16:30,069,511, G>C. VCF-style: chr16-30069511-G-C. GRCh37 (hg19) VCF-style: chr16-30080832-G-C.
Other names: c.*1146G>C (NM_001365304.2, NM_001365305.2, NM_001365307.2); c.637G>C, p.Val213Leu (NM_001127617.2, NM_184041.5, NM_184043.2); short protein forms V267L, V213L.
Identifiers: ClinVar variation 2079812 (VCV002079812.3), dbSNP rs140201659, ClinGen allele CA8001087.